The following is an entry in ClinVar:

ClinVar aggregate classification (germline): Benign/Likely benign. Review status: criteria provided, multiple submitters, no conflicts (2 of 4 stars). 7 submissions from 7 submitters: Benign (1); Likely benign (6). Last evaluated 2026-01-24.

Conditions:
Hereditary cancer-predisposing syndrome. Also called: Neoplastic Syndromes, Hereditary; Hereditary Cancer Syndrome; Tumor predisposition; Hereditary neoplastic syndrome. Identifiers: Orphanet 140162, MedGen C0027672, MeSH D009386, MONDO:0015356.
Familial cancer of breast. Also called: BREAST CANCER, FAMILIAL; Hereditary breast cancer; hereditary breast carcinoma. Identifiers: Orphanet 227535, MedGen C0346153, MONDO:0016419, OMIM 114480. Disease mechanism: loss of function.

Allele frequency attached by ClinVar (database versions not stated): gnomAD exomes below 0.00001.
gnomAD v4.1: 4 of 1,614,136 alleles (0.00025%); highest among the groups gnomAD compares: Admixed American, 0.0017%; no homozygotes.

Submissions (7):

Women's Health and Genetics/Laboratory Corporation of America, LabCorp
Classification: Likely benign. Last evaluated: 2026-01-24. Review status: criteria provided, single submitter. Criteria: LabCorp Variant Classification Summary - May 2015. Collection method: clinical testing. Allele origin: germline.

Labcorp Genetics (formerly Invitae), Labcorp
Classification: Likely benign for Familial cancer of breast. Last evaluated: 2025-11-24. Review status: criteria provided, single submitter. Criteria: Invitae Variant Classification Sherloc (09022015). Collection method: clinical testing. Allele origin: germline.

Center for Genomic Medicine, Rigshospitalet, Copenhagen University Hospital
Classification: Likely benign. Last evaluated: 2025-03-04. Review status: criteria provided, single submitter. Criteria: ACMG Guidelines, 2015. Collection method: clinical testing. Allele origin: germline.

Myriad Genetics, Inc.
Classification: Benign for Familial cancer of breast. Last evaluated: 2025-01-15. Review status: criteria provided, single submitter. Criteria: Myriad Autosomal Dominant, Autosomal Recessive and X-Linked Classification Criteria (2023). Collection method: clinical testing. Allele origin: unknown.
Comment: This variant is considered benign. This variant is a silent/synonymous amino acid change and it is not expected to impact splicing.

Color Diagnostics, LLC DBA Color Health
Classification: Likely benign for Hereditary cancer-predisposing syndrome. Last evaluated: 2024-06-13. Review status: criteria provided, single submitter. Criteria: ACMG Guidelines, 2015. Collection method: clinical testing. Allele origin: germline.

Ambry Genetics
Classification: Likely benign for Hereditary cancer-predisposing syndrome. Last evaluated: 2023-12-29. Review status: criteria provided, single submitter. Criteria: Ambry Variant Classification Scheme 2023. Collection method: clinical testing. Allele origin: germline.

GeneDx
Classification: Likely benign. Last evaluated: 2017-01-04. Review status: criteria provided, single submitter. Criteria: GeneDx Variant Classification (06012015). Collection method: clinical testing. Allele origin: germline. Affected: yes.
Comment: This variant is considered likely benign or benign based on one or more of the following criteria: it is a conservative change, it occurs at a poorly conserved position in the protein, it is predicted to be benign by multiple in silico algorithms, and/or has population frequency not consistent with disease.

NM_024675.4(PALB2):c.2043A>G (p.Lys681=)

Gene: PALB2 (partner and localizer of BRCA2; minus strand). Cytogenetic location: 16p12.2.
Variant type: single nucleotide variant.
Coding change: c.2043A>G on transcript NM_024675.4 (MANE Select); coding-DNA position 2043, A replaced by G.
Protein change: p.Lys681=; no amino-acid change (lysine 681 retained).
Molecular consequence: synonymous variant.
Genome position (GRCh38, 1-based): chr16:23,630,111, T>C on the plus strand (A>G on the coding strand, the complement: PALB2 is on the minus strand). VCF-style: chr16-23630111-T-C. GRCh37 (hg19) VCF-style: chr16-23641432-T-C.
Identifiers: ClinVar variation 392625 (VCV000392625.13), dbSNP rs1057524569, ClinGen allele CA16606998.